The following is an entry in ClinVar:

NM_206933.4(USH2A):c.11712-2A>C

Gene: USH2A (usherin; minus strand). Cytogenetic location: 1q41.
Variant type: single nucleotide variant.
Coding change: c.11712-2A>C on transcript NM_206933.4 (MANE Select); the canonical splice acceptor site of the intron before coding-DNA position 11712, A replaced by C.
Molecular consequence: splice acceptor variant.
Genome position (GRCh38, 1-based): chr1:215,728,386, T>G on the plus strand (A>C on the coding strand, the complement: USH2A is on the minus strand). VCF-style: chr1-215728386-T-G. GRCh37 (hg19) VCF-style: chr1-215901728-T-G.
Identifiers: ClinVar variation 556680 (VCV000556680.11), dbSNP rs753505333, ClinGen allele CA1393631.

ClinVar aggregate classification (germline): Likely pathogenic. Review status: criteria provided, multiple submitters, no conflicts (2 of 4 stars). 8 submissions from 7 submitters: Likely pathogenic (7). 1 of the submissions does not count toward it. Last evaluated 2025-09-28.

Conditions:
Usher syndrome. Also called: Usher Syndromes; Usher's syndrome. Identifiers: Orphanet 886, MedGen CN469326, MeSH D052245, MONDO:0019501. Disease mechanism: loss of function.
USH2A-related disorder. Also called: USH2A-related disorders; USH2A-related condition. Identifiers: MedGen CN239332.
Retinitis pigmentosa 39 (RP39). Identifiers: Orphanet 791, MedGen C3151138, MONDO:0013436, OMIM 613809.
Usher syndrome type 2A. Also called: RETINAL DISEASE IN USHER SYNDROME TYPE IIA, MODIFIER OF; USHER SYNDROME, TYPE IIA. Identifiers: Orphanet 231178, Orphanet 886, MedGen C1848634, MONDO:0010169, OMIM 276901.

gnomAD v4.1: 1 of 1,613,888 alleles (0.000062%); highest among the groups gnomAD compares: East Asian, 0.0022%; no homozygotes.

Submissions (8):

Natera, Inc.
Classification: Likely pathogenic for Usher syndrome type 2A. Last evaluated: 2025-09-28. Review status: criteria provided, single submitter. Criteria: Natera Variant Classification Schema (03/2026). Collection method: clinical testing. Allele origin: germline.
Comment: The c.11712-2A>C variant in USH2A is a canonical splice acceptor site variant predicted to affect pre-mRNA splicing, which may result in an abnormal transcript and altered protein product. This variant is expected to result in nonsense mediated decay, truncation, or a dysfunctional protein product. This variant is rare in the general population with a frequency below the threshold expected for the associated phenotype(s). Given the available evidence, this variant is classified as Likely Pathogenic.

SingHealth Duke-NUS Institute of Precision Medicine
Classification: Likely pathogenic for Retinitis pigmentosa 39. Last evaluated: 2025-02-05. Review status: criteria provided, single submitter. Criteria: PRISM ACMG Classification Criteria. Collection method: clinical testing. Allele origin: germline. Affected: yes.
Comment: Variant is predicted to cause nonsense-mediated decay in a gene where LOF is a known cause of pathogenicity (PVS1). Variant is not found in gnomAD genomes and homozygous allele count in gnomAD exomes is less than 0 (PM2).

Women's Health and Genetics/Laboratory Corporation of America, LabCorp
Classification: Likely pathogenic for Usher syndrome. Last evaluated: 2024-12-18. Review status: criteria provided, single submitter. Criteria: LabCorp Variant Classification Summary - May 2015. Collection method: clinical testing. Allele origin: germline.
Comment: Variant summary: USH2A c.11712-2A>C is located in a canonical splice-site and is predicted to affect mRNA splicing resulting in a significantly altered protein due to either exon skipping, shortening, or inclusion of intronic material. Variants that disrupt the consensus splice site are a relatively common cause of aberrant splicing and loss of USH2A function. Several computational tools predict a significant impact on normal splicing: Four predict the variant abolishes a 3' acceptor site. However, these predictions have yet to be confirmed by functional studies. The variant allele was found at a frequency of 4e-06 in 247714 control chromosomes. c.11712-2A>C has been reported in the presumed compound heterozygous state in the literature in at least 1 individual affected with clinical features of Usher Syndrome (example, Chen_2021, Lin_2024). To our knowledge, no experimental evidence demonstrating an impact on protein function has been reported. The following publications have been ascertained in the context of this evaluation (PMID: 33608557, 38879497). ClinVar contains an entry for this variant (Variation ID: 556680). Based on the evidence outlined above, the variant was classified as likely pathogenic.

Labcorp Genetics (formerly Invitae), Labcorp
Classification: Likely pathogenic. Last evaluated: 2023-11-14. Review status: criteria provided, single submitter. Criteria: Invitae Variant Classification Sherloc (09022015). Collection method: clinical testing. Allele origin: germline.
Comment: This sequence change affects an acceptor splice site in intron 60 of the USH2A gene. It is expected to disrupt RNA splicing. Variants that disrupt the donor or acceptor splice site typically lead to a loss of protein function (PMID: 16199547), and loss-of-function variants in USH2A are known to be pathogenic (PMID: 10729113, 10909849, 20507924, 25649381). This variant is present in population databases (rs753505333, gnomAD 0.006%). This variant has not been reported in the literature in individuals affected with USH2A-related conditions. ClinVar contains an entry for this variant (Variation ID: 556680). Algorithms developed to predict the effect of sequence changes on RNA splicing suggest that this variant may disrupt the consensus splice site. In summary, the currently available evidence indicates that the variant is pathogenic, but additional data are needed to prove that conclusively. Therefore, this variant has been classified as Likely Pathogenic.

Genome-Nilou Lab
Classification: Likely pathogenic for Retinitis pigmentosa 39. Last evaluated: 2023-04-11. Review status: criteria provided, single submitter. Criteria: ACMG Guidelines, 2015. Collection method: clinical testing. Allele origin: germline. Affected: no.

Genome-Nilou Lab
Classification: Likely pathogenic for Usher syndrome type 2A. Last evaluated: 2023-04-11. Review status: criteria provided, single submitter. Criteria: ACMG Guidelines, 2015. Collection method: clinical testing. Allele origin: germline. Affected: no.

Blueprint Genetics
Classification: Likely pathogenic for USH2A-related disorders. Last evaluated: 2019-10-14. Review status: criteria provided, single submitter. Criteria: ACMG Guidelines, 2015. Collection method: clinical testing. Allele origin: germline. Affected: yes. Observed: 1 variant allele.

Counsyl
Classification: Likely pathogenic for Usher syndrome type 2A; Retinitis pigmentosa 39. Last evaluated: 2018-02-13. Review status: no assertion criteria provided. Collection method: clinical testing. Allele origin: unknown. Not counted in ClinVar's aggregate classification.

Literature cited by the submitters: PubMed 33608557 (cited by Women's Health and Genetics/Laboratory Corporation of America, LabCorp); PubMed 38879497 (cited by Women's Health and Genetics/Laboratory Corporation of America, LabCorp); PubMed 16199547 (cited by Labcorp Genetics (formerly Invitae), Labcorp); PubMed 10729113 (cited by Labcorp Genetics (formerly Invitae), Labcorp); PubMed 10909849 (cited by Labcorp Genetics (formerly Invitae), Labcorp); PubMed 20507924 (cited by Labcorp Genetics (formerly Invitae), Labcorp); PubMed 25649381 (cited by Labcorp Genetics (formerly Invitae), Labcorp).